The following is an entry in ClinVar:

ClinVar aggregate classification (germline): Likely pathogenic. Review status: criteria provided, multiple submitters, no conflicts (2 of 4 stars). 3 submissions from 3 submitters: Likely pathogenic (2). 1 of the submissions does not count toward it. Last evaluated 2022-07-11.

Conditions:
3-hydroxyisobutyryl-CoA hydrolase deficiency. Also called: VALINE METABOLIC DEFECT; HIBCH DEFICIENCY; METHACRYLIC ACID TOXICITY; METHACRYLIC ACIDURIA; Reduced circulating 3-hydroxyisobutyryl-CoA hydrolase activity; Deficiency of 3-hydroxyisobutyryl CoA hydrolase. Identifiers: Orphanet 88639, MedGen C0342738, MONDO:0009603, OMIM 250620, HP:6000215.

Submissions (3):

GeneDx
Classification: Likely pathogenic. Last evaluated: 2022-07-11. Review status: criteria provided, single submitter. Criteria: GeneDx Variant Classification Process June 2021. Collection method: clinical testing. Allele origin: germline. Affected: yes.
Comment: Nonsense variant predicted to result in protein truncation as the last 10 amino acids are lost, although loss-of-function variants have not been reported downstream of this position in the protein; Not observed at significant frequency in large population cohorts (gnomAD); This variant is associated with the following publications: (PMID: 25251209)

Institute of Human Genetics, University of Leipzig Medical Center
Classification: Likely pathogenic for 3-hydroxyisobutyryl-CoA hydrolase deficiency. Last evaluated: 2020-03-01. Review status: criteria provided, single submitter. Criteria: ACMG Guidelines, 2015. Collection method: clinical testing. Allele origin: biparental. Inheritance: Autosomal recessive inheritance. Affected: yes.
Comment: Review of the variants reported in Reuter et al., 2017, PMID: 28097321: PVS1_Strong,PM2,PM3_Supporting

OMIM
Classification: Pathogenic for 3-HYDROXYISOBUTYRYL-CoA HYDROLASE DEFICIENCY. Last evaluated: 2014-12-01. Review status: no assertion criteria provided. Collection method: literature only. Allele origin: germline. Not counted in ClinVar's aggregate classification.

Literature cited by the submitters: PubMed 25251209 (cited by OMIM).

NM_014362.4(HIBCH):c.1128dup (p.Lys377Ter)

Gene: HIBCH (3-hydroxyisobutyryl-CoA hydrolase; minus strand). Cytogenetic location: 2q32.2.
Variant type: Duplication.
Coding change: c.1128dup on transcript NM_014362.4 (MANE Select); coding-DNA position 1128, one base duplicated (T; older notation c.1128dupT).
Protein change: p.Lys377Ter; replaces lysine 377 with a stop codon.
Molecular consequence: nonsense. On other transcripts: 3 prime UTR variant (1).
Genome position (GRCh38, 1-based): chr2:190,205,150, A duplicated on the plus strand (T on the coding strand, the reverse complement: HIBCH is on the minus strand); the first of 3 consecutive A bases (chr2:190,205,150-190,205,152); duplicating any one gives the same sequence. VCF-style (leftmost placement, unchanged base first): chr2-190205149-T-TA. GRCh37 (hg19) VCF-style: chr2-191069875-T-TA.
Other names: c.*77dup (NM_198047.3); short protein forms K377*.
Identifiers: ClinVar variation 217316 (VCV000217316.3), dbSNP rs863225062, ClinGen allele CA279159.